The following is an entry in ClinVar:

NM_001363118.2(SLC52A2):c.1178C>T (p.Ala393Val)

Gene: SLC52A2 (solute carrier family 52 member 2; plus strand). Cytogenetic location: 8q24.3.
Variant type: single nucleotide variant.
Coding change: c.1178C>T on transcript NM_001363118.2 (MANE Select); coding-DNA position 1178, C replaced by T.
Protein change: p.Ala393Val; replaces alanine 393 with valine.
Molecular consequence: missense variant. On other transcripts: non-coding transcript variant (1).
Genome position (GRCh38, 1-based): chr8:144,360,855, C>T. VCF-style: chr8-144360855-C-T. GRCh37 (hg19) VCF-style: chr8-145584515-C-T.
Other names: c.1178C>T, p.Ala393Val (NM_001253815.2, NM_001253816.2, NM_001363120.2 and 2 more transcripts); c.686C>T, p.Ala229Val (NM_001363122.2); c.1178C>T (NM_024531.3); short protein forms A393V, A229V.
Identifiers: ClinVar variation 540437 (VCV000540437.9), dbSNP rs782396304, ClinGen allele CA4938427.
Genomic context (GRCh38, chr8:144,360,855, plus strand): 5'-CCCCTCAGGTGCTGTCGTGGGTGCTGTGTCTTGGCGTGTTCTCCTACGTGAAGGTGGCAG[C>T]CAGCTCCCTGCTGCATGGCGGGGGCCGGCCGGCATTGCTGGCAGCCGGCGTGGCCATCCA-3'
Protein context (NP_001350047.1, residues 383-403): LGVFSYVKVA[Ala393Val]SSLLHGGGRP

ClinVar aggregate classification (germline): Uncertain significance. Review status: criteria provided, multiple submitters, no conflicts (2 of 4 stars). 2 submissions from 2 submitters: Uncertain significance (2). Last evaluated 2023-07-26.

Conditions:
Brown-Vialetto-van Laere syndrome 2. Also called: Riboflavin transporter deficiency type 2; SPINOCEREBELLAR ATAXIA WITH BLINDNESS AND DEAFNESS 2. Identifiers: Orphanet 572543, Orphanet 97229, MedGen C3553538, MONDO:0013867, OMIM 614707.
Inborn genetic diseases. Identifiers: MedGen C0950123, MeSH D030342.

Allele frequency attached by ClinVar (database versions not stated): ExAC 0.00002; gnomAD 0.00001; gnomAD exomes 0.00001 and 0.00003.
gnomAD v4.1: 17 of 1,613,154 alleles (0.0011%); highest among the groups gnomAD compares: Non-Finnish European, 0.0014%; no homozygotes.

Submissions (2):

Ambry Genetics
Classification: Uncertain significance for Inborn genetic diseases. Last evaluated: 2023-07-26. Review status: criteria provided, single submitter. Criteria: Ambry Variant Classification Scheme 2023. Collection method: clinical testing. Allele origin: germline.

Labcorp Genetics (formerly Invitae), Labcorp
Classification: Uncertain significance for Brown-Vialetto-van Laere syndrome 2. Last evaluated: 2022-09-27. Review status: criteria provided, single submitter. Criteria: Invitae Variant Classification Sherloc (09022015). Collection method: clinical testing. Allele origin: germline.
Comment: Advanced modeling of protein sequence and biophysical properties (such as structural, functional, and spatial information, amino acid conservation, physicochemical variation, residue mobility, and thermodynamic stability) performed at Invitae indicates that this missense variant is not expected to disrupt SLC52A2 protein function. In summary, the available evidence is currently insufficient to determine the role of this variant in disease. Therefore, it has been classified as a Variant of Uncertain Significance. ClinVar contains an entry for this variant (Variation ID: 540437). This sequence change replaces alanine, which is neutral and non-polar, with valine, which is neutral and non-polar, at codon 393 of the SLC52A2 protein (p.Ala393Val). This variant is present in population databases (rs782396304, gnomAD 0.002%). This variant has not been reported in the literature in individuals affected with SLC52A2-related conditions.